The following is an entry in ClinVar:

ClinVar aggregate classification (germline): Uncertain significance (0 of 4 stars; one submission).

Allele frequency attached by ClinVar (database versions not stated): gnomAD exomes 0.00006 and 0.00002; ExAC 0.00001; TOPMed 0.00001.
gnomAD v4.1: 90 of 1,612,806 alleles (0.0056%); highest among the groups gnomAD compares: Non-Finnish European, 0.0074%; no homozygotes.

Submission:

Martin Pollak Laboratory,  Beth Israel Deaconess Medical Center
Classification: Uncertain significance. Review status: no assertion criteria provided. Collection method: not provided. Allele origin: unknown.
Comment: Lower UCa2+ group
ClinVar note: Converted during submission from unknown to Uncertain significance.

NM_003984.4(SLC13A2):c.1370C>T (p.Pro457Leu)

Gene: SLC13A2 (solute carrier family 13 member 2; plus strand). Cytogenetic location: 17q11.2.
Variant type: single nucleotide variant.
Coding change: c.1370C>T on transcript NM_003984.4 (MANE Select); coding-DNA position 1370, C replaced by T.
Protein change: p.Pro457Leu; replaces proline 457 with leucine.
Molecular consequence: missense variant.
Genome position (GRCh38, 1-based): chr17:28,495,716, C>T. VCF-style: chr17-28495716-C-T. GRCh37 (hg19) VCF-style: chr17-26822734-C-T.
Other names: c.1517C>T, p.Pro506Leu (NM_001145975.2); c.1238C>T, p.Pro413Leu (NM_001346683.2); c.1157C>T, p.Pro386Leu (NM_001346684.2); short protein forms P506L, P457L, P386L, P413L.
Identifiers: ClinVar variation 64485 (VCV000064485.2), dbSNP rs387907474, ClinGen allele CA216248.